The following is an entry in ClinVar:

NM_000372.5(TYR):c.986_987del (p.Ser329fs)

Gene: TYR (tyrosinase; plus strand). Cytogenetic location: 11q14.3.
Variant type: Deletion.
Coding change: c.986_987del on transcript NM_000372.5 (MANE Select); coding-DNA positions 986 to 987, 2 bases deleted (CT; older notation c.986_987delCT).
Protein change: p.Ser329fs; shifts the reading frame from serine 329.
Molecular consequence: frameshift variant.
Genome position (GRCh38, 1-based): chr11:89,191,368-89,191,369, CT deleted; deleting any 2 consecutive bases within chr11:89,191,367-89,191,369 gives the same sequence; the c. name uses the placement nearest the transcript's 3' end. VCF-style (leftmost placement, unchanged base first): chr11-89191366-ATC-A. GRCh37 (hg19) VCF-style: chr11-88924534-ATC-A.
Other names: short protein forms S329fs.
Identifiers: ClinVar variation 4710244 (VCV004710244.1).

ClinVar aggregate classification (germline): Pathogenic (1 of 4 stars; one submission).

Submission:

Labcorp Genetics (formerly Invitae), Labcorp
Classification: Pathogenic. Last evaluated: 2025-06-17. Review status: criteria provided, single submitter. Criteria: Invitae Variant Classification Sherloc (09022015). Collection method: clinical testing. Allele origin: germline.
Comment: This sequence change creates a premature translational stop signal (p.Ser329Trpfs*5) in the TYR gene. It is expected to result in an absent or disrupted protein product. Loss-of-function variants in TYR are known to be pathogenic (PMID: 23504663). This variant is not present in population databases (gnomAD no frequency). This variant has not been reported in the literature in individuals affected with TYR-related conditions. For these reasons, this variant has been classified as Pathogenic.

Literature cited by the submitters: PubMed 23504663.